The following is an entry in ClinVar:

NM_000321.3(RB1):c.1751A>T (p.Asp584Val)

Gene: RB1 (RB transcriptional corepressor 1; plus strand). Cytogenetic location: 13q14.2.
Variant type: single nucleotide variant.
Coding change: c.1751A>T on transcript NM_000321.3 (MANE Select); coding-DNA position 1751, A replaced by T.
Protein change: p.Asp584Val; replaces aspartic acid 584 with valine.
Molecular consequence: missense variant.
Genome position (GRCh38, 1-based): chr13:48,453,048, A>T. VCF-style: chr13-48453048-A-T. GRCh37 (hg19) VCF-style: chr13-49027184-A-T.
Other names: c.1751A>T, p.Asp584Val (NM_001407165.1); short protein forms D584V.
Identifiers: ClinVar variation 1779399 (VCV001779399.2), dbSNP rs2138327164, ClinGen allele CA388165536.

ClinVar aggregate classification (germline): Uncertain significance (1 of 4 stars; one submission).

Conditions:
Hereditary cancer-predisposing syndrome. Also called: Neoplastic Syndromes, Hereditary; Tumor predisposition; Hereditary Cancer Syndrome; Hereditary neoplastic syndrome. Identifiers: Orphanet 140162, MedGen C0027672, MeSH D009386, MONDO:0015356.

Submission:

Ambry Genetics
Classification: Uncertain significance for Hereditary cancer-predisposing syndrome. Last evaluated: 2023-10-27. Review status: criteria provided, single submitter. Criteria: Ambry Variant Classification Scheme 2023. Collection method: clinical testing. Allele origin: germline.
Comment: The p.D584V variant (also known as c.1751A>T), located in coding exon 18 of the RB1 gene, results from an A to T substitution at nucleotide position 1751. The aspartic acid at codon 584 is replaced by valine, an amino acid with highly dissimilar properties. This amino acid position is highly conserved in available vertebrate species. In addition, this alteration is predicted to be deleterious by in silico analysis. Since supporting evidence is limited at this time, the clinical significance of this alteration remains unclear.